The following is an entry in ClinVar:

NM_001458.5(FLNC):c.7217A>T (p.Asp2406Val)

Genes: FLNC-AS1 (FLNC antisense RNA 1; minus strand), FLNC (filamin C; plus strand). Cytogenetic location: 7q32.1.
Variant type: single nucleotide variant.
Coding change: c.7217A>T on transcript NM_001458.5 (MANE Select); coding-DNA position 7217, A replaced by T.
Protein change: p.Asp2406Val; replaces aspartic acid 2406 with valine.
Molecular consequence: missense variant.
Genome position (GRCh38, 1-based): chr7:128,855,280, A>T. VCF-style: chr7-128855280-A-T. GRCh37 (hg19) VCF-style: chr7-128495334-A-T.
Other names: c.7118A>T, p.Asp2373Val (NM_001127487.2); short protein forms D2406V, D2373V.
Identifiers: ClinVar variation 2199644 (VCV002199644.6), dbSNP rs1335257583, ClinGen allele CA369215924.

ClinVar aggregate classification (germline): Uncertain significance. Review status: criteria provided, multiple submitters, no conflicts (2 of 4 stars). 3 submissions from 3 submitters: Uncertain significance (3). Last evaluated 2025-04-23.

Conditions:
Myofibrillar myopathy 5. Also called: Filaminopathy (type); FILAMINOPATHY, AUTOSOMAL DOMINANT. Identifiers: Orphanet 171445, MedGen C1836050, MONDO:0012289, OMIM 609524.
Distal myopathy with posterior leg and anterior hand involvement. Also called: WILLIAMS DISTAL MYOPATHY. Identifiers: Orphanet 63273, MedGen C3279722, MONDO:0013550, OMIM 614065.
Hypertrophic cardiomyopathy 26. Also called: Cardiomyopathy, familial hypertrophic, 26. Identifiers: Orphanet 75249, MedGen C4310749, MONDO:0014883, OMIM 617047.
Cardiovascular phenotype. Identifiers: MedGen CN230736.

Allele frequency attached by ClinVar (database versions not stated): gnomAD exomes below 0.00001; TOPMed below 0.00001.
gnomAD v4.1: 2 of 1,613,528 alleles (0.00012%); highest among the groups gnomAD compares: Admixed American, 0.0033%; no homozygotes.

Submissions (3):

GeneDx
Classification: Uncertain significance. Last evaluated: 2025-04-23. Review status: criteria provided, single submitter. Criteria: GeneDx Variant Classification Process June 2021. Collection method: clinical testing. Allele origin: germline. Affected: yes.
Comment: Not observed at significant frequency in large population cohorts (gnomAD); In silico analysis supports that this missense variant has a deleterious effect on protein structure/function; Has not been previously published as pathogenic or benign to our knowledge

Ambry Genetics
Classification: Uncertain significance for Cardiovascular phenotype. Last evaluated: 2025-02-01. Review status: criteria provided, single submitter. Criteria: Ambry Variant Classification Scheme 2023. Collection method: clinical testing. Allele origin: germline.
Comment: The p.D2406V variant (also known as c.7217A>T), located in coding exon 43 of the FLNC gene, results from an A to T substitution at nucleotide position 7217. The aspartic acid at codon 2406 is replaced by valine, an amino acid with highly dissimilar properties. This amino acid position is conserved. In addition, this alteration is predicted to be deleterious by in silico analysis. Based on the available evidence, the clinical significance of this variant remains unclear.

Labcorp Genetics (formerly Invitae), Labcorp
Classification: Uncertain significance for Distal myopathy with posterior leg and anterior hand involvement; Myofibrillar myopathy 5; Hypertrophic cardiomyopathy 26. Last evaluated: 2024-11-26. Review status: criteria provided, single submitter. Criteria: Invitae Variant Classification Sherloc (09022015). Collection method: clinical testing. Allele origin: germline.
Comment: This sequence change replaces aspartic acid, which is acidic and polar, with valine, which is neutral and non-polar, at codon 2406 of the FLNC protein (p.Asp2406Val). This variant is present in population databases (no rsID available, gnomAD 0.003%). This variant has not been reported in the literature in individuals affected with FLNC-related conditions. ClinVar contains an entry for this variant (Variation ID: 2199644). An algorithm developed to predict the effect of missense changes on protein structure and function (PolyPhen-2) suggests that this variant is likely to be disruptive. In summary, the available evidence is currently insufficient to determine the role of this variant in disease. Therefore, it has been classified as a Variant of Uncertain Significance.